The following is an entry in ClinVar:

NM_016006.6(ABHD5):c.683dup (p.Leu228fs)

Gene: ABHD5 (abhydrolase domain containing 5, lysophosphatidic acid acyltransferase; plus strand). Cytogenetic location: 3p21.33.
Variant type: Duplication.
Coding change: c.683dup on transcript NM_016006.6 (MANE Select); coding-DNA position 683, one base duplicated (T; older notation c.683dupT).
Protein change: p.Leu228fs; shifts the reading frame from leucine 228.
Molecular consequence: frameshift variant.
Genome position (GRCh38, 1-based): chr3:43,714,968, T duplicated; the last of 3 consecutive T bases (chr3:43,714,966-43,714,968); duplicating any one gives the same sequence. VCF-style (leftmost placement, unchanged base first): chr3-43714965-G-GT. GRCh37 (hg19) VCF-style: chr3-43756457-G-GT.
Other names: c.683dup, p.Leu228fs (NM_001355186.2, NM_001365650.1); c.560dup, p.Leu187fs (NM_001365649.1); short protein forms L187fs, L228fs.
Identifiers: ClinVar variation 3250431 (VCV003250431.1), dbSNP rs2528785092.

ClinVar aggregate classification (germline): Likely pathogenic (1 of 4 stars; one submission).

Conditions:
Triglyceride storage disease with ichthyosis (CDS). Also called: ICHTHYOSIFORM ERYTHRODERMA WITH LEUKOCYTE VACUOLATION; TRIGLYCERIDE STORAGE DISEASE WITH IMPAIRED LONG-CHAIN FATTY ACID OXIDATION; Dorfman-Chanarin disease; Chanarin-Dorfman Syndrome. Identifiers: Orphanet 98907, MedGen C0268238, MONDO:0010155, OMIM 275630.

Submission:

Neuberg Centre For Genomic Medicine, NCGM
Classification: Likely pathogenic for Triglyceride storage disease with ichthyosis. Review status: criteria provided, single submitter. Criteria: ACMG Guidelines, 2015. Collection method: clinical testing. Allele origin: germline. Inheritance: Autosomal recessive inheritance. Affected: yes.
Comment: The observed frameshift variant c.683dup (p.Leu228PhefsTer4) in ABHD5 gene has not been reported previously as a pathogenic variant nor as a benign variant, to our knowledge. The p.Leu228PhefsTer4 variant is absent in gnomAD Exomes. This variant has not been submitted to the ClinVar database. This variant causes a frameshift starting with codon Leucine 228, changes this amino acid to Phenylalanine residue, and creates a premature Stop codon at position 4 of the new reading frame, denoted p.Leu228PhefsTer4. This variant is predicted to cause loss of normal protein function through protein truncation. Loss of function variants have been previously reported to be disease causing. For these reasons, this variant has been classified as Likely Pathogenic.